The following is an entry in ClinVar:

NM_000548.5(TSC2):c.976-5T>C

Gene: TSC2 (TSC complex subunit 2; plus strand). Cytogenetic location: 16p13.3.
Variant type: single nucleotide variant.
Coding change: c.976-5T>C on transcript NM_000548.5 (MANE Select); 5 bases into the intron before coding-DNA position 976, T replaced by C.
Molecular consequence: intron variant.
Genome position (GRCh38, 1-based): chr16:2,060,665, T>C. VCF-style: chr16-2060665-T-C. GRCh37 (hg19) VCF-style: chr16-2110666-T-C.
Other names: c.976-5T>C (NM_001114382.3, NM_021055.3, NM_001370405.1 and 3 more transcripts); c.865-5T>C (NM_001318827.2); c.376-5T>C (NM_001318831.2); c.829-5T>C (NM_001318829.2); c.1009-5T>C (NM_001318832.2).
Identifiers: ClinVar variation 1396965 (VCV001396965.8), dbSNP rs2086516322, ClinGen allele CA2573151538.

ClinVar aggregate classification (germline): Uncertain significance (1 of 4 stars; one submission).

Conditions:
Tuberous sclerosis 2 (TSC2). Identifiers: Orphanet 805, MedGen C1860707, MONDO:0013199, OMIM 613254.

Submission:

Labcorp Genetics (formerly Invitae), Labcorp
Classification: Uncertain significance for Tuberous sclerosis 2. Last evaluated: 2021-07-26. Review status: criteria provided, single submitter. Criteria: Invitae Variant Classification Sherloc (09022015). Collection method: clinical testing. Allele origin: germline.
Comment: In summary, the available evidence is currently insufficient to determine the role of this variant in disease. Therefore, it has been classified as a Variant of Uncertain Significance. Algorithms developed to predict the effect of sequence changes on RNA splicing suggest that this variant may disrupt the consensus splice site. This variant has not been reported in the literature in individuals affected with TSC2-related conditions. This variant is not present in population databases (ExAC no frequency). This sequence change falls in intron 10 of the TSC2 gene. It does not directly change the encoded amino acid sequence of the TSC2 protein.